The following is an entry in ClinVar:

NM_001267550.2(TTN):c.53785G>A (p.Glu17929Lys)

Genes: TTN (titin; minus strand), TTN-AS1 (TTN antisense RNA 1; plus strand). Cytogenetic location: 2q31.2.
Variant type: single nucleotide variant.
Coding change: c.53785G>A on transcript NM_001267550.2 (MANE Select); coding-DNA position 53785, G replaced by A.
Protein change: p.Glu17929Lys; replaces glutamic acid 17929 with lysine.
Molecular consequence: missense variant.
Genome position (GRCh38, 1-based): chr2:178,605,510, C>T on the plus strand (G>A on the coding strand, the complement: TTN is on the minus strand). VCF-style: chr2-178605510-C-T. GRCh37 (hg19) VCF-style: chr2-179470237-C-T.
Other names: c.48862G>A, p.Glu16288Lys (NM_001256850.1); c.26590G>A, p.Glu8864Lys (NM_003319.4); c.46081G>A, p.Glu15361Lys (NM_133378.4); c.26965G>A, p.Glu8989Lys (NM_133432.3); c.27166G>A, p.Glu9056Lys (NM_133437.4); short protein forms E17929K, E8989K, E15361K, E16288K, E8864K, E9056K.
Identifiers: ClinVar variation 404951 (VCV000404951.6), dbSNP rs201052994, ClinGen allele CA1993746.

ClinVar aggregate classification (germline): Uncertain significance. Review status: criteria provided, multiple submitters, no conflicts (2 of 4 stars). 3 submissions from 3 submitters: Uncertain significance (3). Last evaluated 2021-07-12.

Conditions:
Cardiovascular phenotype. Identifiers: MedGen CN230736.
Autosomal recessive limb-girdle muscular dystrophy type 2J (LGMDR10). Also called: MUSCULAR DYSTROPHY, LIMB-GIRDLE, AUTOSOMAL RECESSIVE 10; Limb-girdle muscular dystrophy, type 2J. Identifiers: Orphanet 140922, MedGen C1837342, MONDO:0012127, OMIM 608807.
Dilated cardiomyopathy 1G (CMD1G). Identifiers: Orphanet 154, MedGen C1858763, MONDO:0011400, OMIM 604145.
Myopathy, myofibrillar, 9, with early respiratory failure (MFM9). Also called: Myopathy, distal, with early respiratory failure, autosomal dominant; Hereditary myopathy with early respiratory failure; EDSTROM MYOPATHY; MYOPATHY, PROXIMAL, WITH EARLY RESPIRATORY MUSCLE INVOLVEMENT. Identifiers: Orphanet 178464, Orphanet 34521, MedGen C1863599, MONDO:0011362, OMIM 603689.
Tibial muscular dystrophy (TMD). Also called: UDD MYOPATHY; Tibial muscular dystrophy, tardive; Udd Distal Myopathy – Tibial Muscular Dystrophy. Identifiers: Orphanet 609, MedGen C1838244, MONDO:0010870, OMIM 600334.
Early-onset myopathy with fatal cardiomyopathy (CMYO5). Also called: Salih Myopathy; CONGENITAL MYOPATHY 5 WITH CARDIOMYOPATHY. Identifiers: Orphanet 289377, MedGen C2673677, MONDO:0012714, OMIM 611705. Disease mechanism: loss of function.
Hypertrophic cardiomyopathy 9. Also called: Familial hypertrophic cardiomyopathy 9. Identifiers: MedGen C1861065, MONDO:0013412, OMIM 613765.

Allele frequency attached by ClinVar (database versions not stated): ExAC 0.00001; gnomAD 0.00001 and 0.00002; gnomAD exomes 0.00001; TOPMed 0.00001.
gnomAD v4.1: 17 of 1,612,294 alleles (0.0011%); highest among the groups gnomAD compares: Non-Finnish European, 0.0014%; no homozygotes.

Submissions (3):

Fulgent Genetics
Classification: Uncertain significance for Tibial muscular dystrophy; Myopathy, myofibrillar, 9, with early respiratory failure; Dilated cardiomyopathy 1G; Autosomal recessive limb-girdle muscular dystrophy type 2J; Early-onset myopathy with fatal cardiomyopathy; Hypertrophic cardiomyopathy 9. Last evaluated: 2021-07-12. Review status: criteria provided, single submitter. Criteria: ACMG Guidelines, 2015. Collection method: clinical testing. Allele origin: unknown.

Ambry Genetics
Classification: Uncertain significance for Cardiovascular phenotype. Last evaluated: 2019-01-17. Review status: criteria provided, single submitter. Criteria: Ambry Variant Classification Scheme 2023. Collection method: clinical testing. Allele origin: germline.
Comment: The p.E8864K variant (also known as c.26590G>A), located in coding exon 106 of the TTN gene, results from a G to A substitution at nucleotide position 26590. The glutamic acid at codon 8864 is replaced by lysine, an amino acid with similar properties. This amino acid position is highly conserved in available vertebrate species. In addition, the in silico prediction for this alteration is inconclusive. Since supporting evidence is limited at this time, the clinical significance of this alteration remains unclear.

Labcorp Genetics (formerly Invitae), Labcorp
Classification: Uncertain significance for Dilated cardiomyopathy 1G; Autosomal recessive limb-girdle muscular dystrophy type 2J. Last evaluated: 2016-07-21. Review status: criteria provided, single submitter. Criteria: Invitae Variant Classification Sherloc (09022015). Collection method: clinical testing. Allele origin: germline.